The following is an entry in ClinVar:

NM_004385.5(VCAN):c.4477T>A (p.Phe1493Ile)

Genes: VCAN (versican; plus strand), VCAN-AS1 (VCAN antisense RNA 1; minus strand). Cytogenetic location: 5q14.3.
Variant type: single nucleotide variant.
Coding change: c.4477T>A on transcript NM_004385.5 (MANE Select); coding-DNA position 4477, T replaced by A.
Protein change: p.Phe1493Ile; replaces phenylalanine 1493 with isoleucine.
Molecular consequence: missense variant. On other transcripts: intron variant (2).
Genome position (GRCh38, 1-based): chr5:83,537,480, T>A. VCF-style: chr5-83537480-T-A. GRCh37 (hg19) VCF-style: chr5-82833299-T-A.
Other names: c.1516T>A, p.Phe506Ile (NM_001164097.2); c.4004-8057T>A (NM_001164098.2); c.1043-8057T>A (NM_001126336.3); c.4477T>A (NM_004385.4); short protein forms F506I, F1493I.
Identifiers: ClinVar variation 1925183 (VCV001925183.7), dbSNP rs756102005, ClinGen allele CA3333177.
Genomic context (GRCh38, chr5:83,537,480, plus strand): 5'-ACAACTGAGTCTCTTGAAGTTACATGGAAGCCTGAGACTTACCCTGAAACATCAGAACAT[T>A]TTTCAGGTGGTGAGCCTGATGTTTTCCCCACAGTCCCATTCCATGAGGAATTTGAAAGTG-3'
Protein context (NP_004376.2, residues 1483-1503): PETYPETSEH[Phe1493Ile]SGGEPDVFPT

ClinVar aggregate classification (germline): Conflicting classifications of pathogenicity. Review status: criteria provided, conflicting classifications (1 of 4 stars). 3 submissions from 3 submitters: Uncertain significance (2); Likely benign (1). Last evaluated 2025-07-14.

Conditions:
Inborn genetic diseases. Identifiers: MedGen C0950123, MeSH D030342.

Allele frequency attached by ClinVar (database versions not stated): gnomAD 0.00001; gnomAD exomes 0.00001; TOPMed 0.00001; ExAC 0.00002.
gnomAD v4.1: 15 of 1,613,774 alleles (0.00093%); highest among the groups gnomAD compares: Non-Finnish European, 0.0013%; no homozygotes.

Submissions (3):

Labcorp Genetics (formerly Invitae), Labcorp
Classification: Uncertain significance. Last evaluated: 2025-07-14. Review status: criteria provided, single submitter. Criteria: Invitae Variant Classification Sherloc (09022015). Collection method: clinical testing. Allele origin: germline.
Comment: This sequence change replaces phenylalanine, which is neutral and non-polar, with isoleucine, which is neutral and non-polar, at codon 1493 of the VCAN protein (p.Phe1493Ile). This variant is present in population databases (rs756102005, gnomAD 0.003%). This variant has not been reported in the literature in individuals affected with VCAN-related conditions. ClinVar contains an entry for this variant (Variation ID: 1925183). An algorithm developed to predict the effect of missense changes on protein structure and function (PolyPhen-2) suggests that this variant is likely to be disruptive. In summary, the available evidence is currently insufficient to determine the role of this variant in disease. Therefore, it has been classified as a Variant of Uncertain Significance.

Ambry Genetics
Classification: Uncertain significance for Inborn genetic diseases. Last evaluated: 2024-11-26. Review status: criteria provided, single submitter. Criteria: Ambry Variant Classification Scheme 2023. Collection method: clinical testing. Allele origin: germline.

Blueprint Genetics
Classification: Likely benign. Last evaluated: 2022-09-05. Review status: criteria provided, single submitter. Criteria: ACMG Guidelines, 2015. Collection method: clinical testing. Allele origin: germline.